The following is an entry in ClinVar:

ClinVar aggregate classification (germline): Pathogenic. Review status: criteria provided, single submitter (1 of 4 stars). 3 submissions from 3 submitters: Pathogenic (1). 2 of the submissions do not count toward it. Last evaluated 2022-09-23.

Conditions:
Cohen syndrome (COH1). Also called: PEPPER SYNDROME; Cutis verticis gyrata, retinitis pigmentosa, and sensorineural deafness. Identifiers: Orphanet 193, MedGen C0265223, MONDO:0008999, OMIM 216550.

Allele frequency attached by ClinVar (database versions not stated): gnomAD 0.00001.
gnomAD v4.1: 3 of 1,614,076 alleles (0.00019%); highest among the groups gnomAD compares: Non-Finnish European, 0.000085%; no homozygotes.

Submissions (3):

Labcorp Genetics (formerly Invitae), Labcorp
Classification: Pathogenic for Cohen syndrome. Last evaluated: 2022-09-23. Review status: criteria provided, single submitter. Criteria: Invitae Variant Classification Sherloc (09022015). Collection method: clinical testing. Allele origin: germline.
Comment: For these reasons, this variant has been classified as Pathogenic. ClinVar contains an entry for this variant (Variation ID: 56679). This premature translational stop signal has been observed in individuals with Cohen syndrome (PMID: 15141358). This variant is present in population databases (rs386834099, gnomAD 0.03%). This sequence change creates a premature translational stop signal (p.Arg1943*) in the VPS13B gene. It is expected to result in an absent or disrupted protein product. Loss-of-function variants in VPS13B are known to be pathogenic (PMID: 15141358, 16648375, 20461111).

Counsyl
Classification: Pathogenic for Cohen syndrome. Last evaluated: 2016-10-31. Review status: no assertion criteria provided. Collection method: clinical testing. Allele origin: unknown. Not counted in ClinVar's aggregate classification.

Juha Muilu Group; Institute for Molecular Medicine Finland (FIMM)
Classification: Likely pathogenic for Cohen syndrome. Review status: no assertion criteria provided. Collection method: not provided. Allele origin: unknown. Not counted in ClinVar's aggregate classification.
Comment: FinDis database variant: This variant was not found or characterized by our laboratory, data were collected from public sources: see reference
ClinVar note: Converted during submission from probable-pathogenic to Likely pathogenic.

Literature cited by the submitters: PubMed 15141358 (cited by Labcorp Genetics (formerly Invitae), Labcorp and Counsyl); PubMed 16648375 (cited by Labcorp Genetics (formerly Invitae), Labcorp); PubMed 20461111 (cited by Labcorp Genetics (formerly Invitae), Labcorp).

NM_152564.5(VPS13B):c.5752C>T (p.Arg1918Ter)

Gene: VPS13B (vacuolar protein sorting 13 homolog B; plus strand). Cytogenetic location: 8q22.2.
Variant type: single nucleotide variant.
Coding change: c.5752C>T on transcript NM_152564.5 (MANE Select); coding-DNA position 5752, C replaced by T.
Protein change: p.Arg1918Ter; replaces arginine 1918 with a stop codon.
Molecular consequence: nonsense.
Genome position (GRCh38, 1-based): chr8:99,642,342, C>T. VCF-style: chr8-99642342-C-T. GRCh37 (hg19) VCF-style: chr8-100654570-C-T.
Other names: c.5827C>T, p.Arg1943Ter (NM_017890.5); short protein forms R1943*, R1918*.
Identifiers: ClinVar variation 56679 (VCV000056679.9), dbSNP rs386834099, ClinGen allele CA264105.
Genomic context (GRCh38, chr8:99,642,342, plus strand): 5'-GCATCCACAAGGTCATCTGCTAGACAAGCACTTGGTATAACTATTGTTCGGCAGCCTGGT[C>T]GAAGAGGAACTGGTGACTTACAGCTAGAGCCTTTTCTGTACTTTATTGTGTCCCAGCCTT-3'